The following is an entry in ClinVar:

ClinVar aggregate classification (germline): Likely benign (1 of 4 stars; one submission).

Submission:

CeGaT Center for Human Genetics Tuebingen
Classification: Likely benign. Last evaluated: 2026-03-01. Review status: criteria provided, single submitter. Criteria: CeGaT Center For Human Genetics Tuebingen Variant Classification Criteria Version 2. Collection method: clinical testing. Allele origin: germline. Affected: yes. Observed: 1 variant allele.
Comment: SOX4: BP4, BP7

NM_003107.3(SOX4):c.1101C>T (p.Ala367=)

Gene: SOX4 (SRY-box transcription factor 4; plus strand). Cytogenetic location: 6p22.3.
Variant type: single nucleotide variant.
Coding change: c.1101C>T on transcript NM_003107.3 (MANE Select); coding-DNA position 1101, C replaced by T.
Protein change: p.Ala367=; no amino-acid change (alanine 367 retained).
Molecular consequence: synonymous variant.
Genome position (GRCh38, 1-based): chr6:21,595,635, C>T. VCF-style: chr6-21595635-C-T. GRCh37 (hg19) VCF-style: chr6-21595866-C-T.
Identifiers: ClinVar variation 4822211 (VCV004822211.4).